The following is an entry in ClinVar:

NM_201384.3(PLEC):c.12591C>G (p.Arg4197=)

Gene: PLEC (plectin; minus strand). Cytogenetic location: 8q24.3.
Variant type: single nucleotide variant.
Coding change: c.12591C>G on transcript NM_201384.3 (MANE Select); coding-DNA position 12591, C replaced by G.
Protein change: p.Arg4197=; no amino-acid change (arginine 4197 retained).
Molecular consequence: synonymous variant.
Genome position (GRCh38, 1-based): chr8:143,917,230, G>C on the plus strand (C>G on the coding strand, the complement: PLEC is on the minus strand). VCF-style: chr8-143917230-G-C. GRCh37 (hg19) VCF-style: chr8-144991398-G-C.
Other names: c.12672C>G, p.Arg4224= (NM_000445.5); c.9291C>G, p.Arg3097= (NM_001410941.1); c.12549C>G, p.Arg4183= (NM_201378.4); c.12525C>G, p.Arg4175= (NM_201379.3); c.13002C>G, p.Arg4334= (NM_201380.4); c.12495C>G, p.Arg4165= (NM_201381.3); c.12591C>G, p.Arg4197= (NM_201382.4); c.12603C>G, p.Arg4201= (NM_201383.3).
Identifiers: ClinVar variation 4987162 (VCV004987162.1).

ClinVar aggregate classification (germline): Likely benign (1 of 4 stars; one submission).

Conditions:
PLEC-related disorder. Also called: PLEC-related condition; PLEC-related disorders.

Submission:

PreventionGenetics, part of Exact Sciences
Classification: Likely benign for PLEC-related condition. Last evaluated: 2026-05-13. Review status: criteria provided, single submitter. Criteria: ACMG Guidelines, 2015. Collection method: clinical testing. Allele origin: germline.
Comment: This variant is classified as likely benign based on ACMG/AMP sequence variant interpretation guidelines (Richards et al. 2015 PMID: 25741868, with internal and published modifications).